The following is an entry in ClinVar:

ClinVar aggregate classification (germline): Likely pathogenic (1 of 4 stars; one submission).

Conditions:
Cardiovascular phenotype. Identifiers: MedGen CN230736.

Submission:

Ambry Genetics
Classification: Likely pathogenic for Cardiovascular phenotype. Last evaluated: 2026-04-23. Review status: criteria provided, single submitter. Criteria: Ambry Variant Classification Scheme 2023. Collection method: clinical testing. Allele origin: germline.
Comment: The c.47468_47469delGA variant, located in coding exon 153 of the TTN gene, results from a deletion of two nucleotides at nucleotide positions 47468 to 47469, causing a translational frameshift with a predicted alternate stop codon (p.R15823Ifs*43). This exon is located in the A-band region of the N2-B isoform of the titin protein and is constitutively expressed in TTN transcripts (percent spliced in or PSI 100%). This variant is considered to be rare based on population cohorts in the Genome Aggregation Database (gnomAD). This variant is expected to result in loss of function by premature protein truncation or nonsense-mediated mRNA decay. While truncating variants in TTN are present in 1-3% of the general population, truncating variants in the A-band are the most common cause of dilated cardiomyopathy (Herman DS et al. N. Engl. J. Med., 2012 Feb;366:619-28; Roberts AM et al. Sci Transl Med, 2015 Jan;7:270ra6). TTN truncating variants encoded in constitutive exons (PSI >90%) have been found to be significantly associated with DCM regardless of their position in titin (Schafer S et al. Nat. Genet., 2017 01;49:46-53; Akhtar MM et al. Circ Heart Fail, 2020 Oct;13:e006832; Massier M et al. Clin Genet, 2025 Jan). Based on the majority of available evidence to date, this variant is likely to be pathogenic.

NM_001267550.2(TTN):c.74663_74664del (p.Arg24888fs)

Genes: TTN (titin; minus strand), TTN-AS1 (TTN antisense RNA 1; plus strand). Cytogenetic location: 2q31.2.
Variant type: Deletion.
Coding change: c.74663_74664del on transcript NM_001267550.2 (MANE Select); coding-DNA positions 74663 to 74664, 2 bases deleted (GA; older notation c.74663_74664delGA).
Protein change: p.Arg24888fs; shifts the reading frame from arginine 24888.
Molecular consequence: frameshift variant.
Genome position (GRCh38, 1-based): chr2:178,571,468-178,571,469, TC deleted on the plus strand (GA on the coding strand, the reverse complement: TTN is on the minus strand); deleting any 2 consecutive bases within chr2:178,571,468-178,571,470 gives the same sequence; the c. name uses the placement nearest the transcript's 3' end. VCF-style (leftmost placement, unchanged base first): chr2-178571467-ATC-A. GRCh37 (hg19) VCF-style: chr2-179436194-ATC-A.
Other names: c.69740_69741del, p.Arg23247fs (NM_001256850.1); c.47468_47469del, p.Arg15823fs (NM_003319.4); c.66959_66960del, p.Arg22320fs (NM_133378.4); c.47843_47844del, p.Arg15948fs (NM_133432.3); c.48044_48045del, p.Arg16015fs (NM_133437.4); c.47468_47469delGA (NM_003319.4); short protein forms R15823fs, R15948fs, R16015fs, R22320fs, R23247fs, R24888fs.
Identifiers: ClinVar variation 4866202 (VCV004866202.1).